The following is an entry in ClinVar:

NM_000093.5(COL5A1):c.4697dup (p.Glu1571fs)

Genes: COL5A1 (collagen type V alpha 1 chain; plus strand), LOC101448202 (uncharacterized LOC101448202; minus strand). Cytogenetic location: 9q34.3.
Variant type: Duplication.
Coding change: c.4697dup on transcript NM_000093.5 (MANE Select); coding-DNA position 4697, one base duplicated (C; older notation c.4697dupC).
Protein change: p.Glu1571fs; shifts the reading frame from glutamic acid 1571.
Molecular consequence: frameshift variant.
Genome position (GRCh38, 1-based): chr9:134,823,468, C duplicated; the last of 6 consecutive C bases (chr9:134,823,463-134,823,468); duplicating any one gives the same sequence. VCF-style (leftmost placement, unchanged base first): chr9-134823462-G-GC. GRCh37 (hg19) VCF-style: chr9-137715308-G-GC.
Other names: c.4697dup, p.Glu1571fs (NM_001278074.1); short protein forms E1571fs.
Identifiers: ClinVar variation 430502 (VCV000430502.11), dbSNP rs1131691996, ClinGen allele CA645369417.
Genomic context (GRCh38, chr9:134,823,462, plus strand): 5'-TTCTTTCTCCCCAGGGTCCAACTGGCCCGAAGGGTGAGGCAGGCCACCCAGGACCCCCAG[G>GC]CCCCCCGGTAAGTAGCCCTTGAAGCCCAGAAAGCGGGACGGGGGCTCTGGCTAGCTCCGA-3'

ClinVar aggregate classification (germline): Pathogenic. Review status: criteria provided, multiple submitters, no conflicts (2 of 4 stars). 5 submissions from 5 submitters: Pathogenic (5). Last evaluated 2025-12-26.

Conditions:
Familial thoracic aortic aneurysm and aortic dissection (TAAD). Also called: Thoracic aortic aneurysms and dissections. Identifiers: Orphanet 91387, MedGen C4707243, MONDO:0019625.
Ehlers-Danlos syndrome, classic type, 1 (EDSCL1). Also called: EHLERS-DANLOS SYNDROME, GRAVIS TYPE; EHLERS-DANLOS SYNDROME, SEVERE CLASSIC TYPE; EDS I; Ehlers-Danlos Syndrome, Classic Type, COL5A1-Related; Ehlers-Danlos syndrome, type 1. Identifiers: MedGen C0268335, MONDO:0019567, OMIM 130000.
Ehlers-Danlos syndrome (EDS). Identifiers: Orphanet 98249, MedGen C0013720, MONDO:0020066.

Submissions (5):

Variantyx, Inc.
Classification: Pathogenic for Ehlers-Danlos syndrome, classic type, 1. Last evaluated: 2025-12-26. Review status: criteria provided, single submitter. Criteria: Variantyx Assertion Criteria 2022. Collection method: clinical testing. Allele origin: germline. Inheritance: Autosomal recessive inheritance. Affected: yes.
Comment: This is a frameshift variant in the COL5A1 gene (OMIM: 120215). Pathogenic variants in this gene have been associated with autosomal dominant classical Ehlers-Danlos syndrome. This variant introduces a premature termination codon in exon 61 out of 66 and is expected to result in loss of function, which is a known disease mechanism for COL5A1 in this disorder (PMID: 16431952) (PVS1). This variant has been reported in at least 1 affected individual (PMID: 16431952) (PS4) and is absent from control populations (PM2). Based on the current evidence, this variant is classified as pathogenic for autosomal dominant classical Ehlers-Danlos syndrome.

Ambry Genetics
Classification: Pathogenic for Familial thoracic aortic aneurysm and aortic dissection. Last evaluated: 2024-10-25. Review status: criteria provided, single submitter. Criteria: Ambry Variant Classification Scheme 2023. Collection method: clinical testing. Allele origin: germline.
Comment: The c.4697dupC pathogenic mutation, located in coding exon 61 of the COL5A1 gene, results from a duplication of C at nucleotide position 4697, causing a translational frameshift with a predicted alternate stop codon (p.E1571Rfs*53). This variant (also referred to as 4692-4693 ins C and c.4706dupC) has been detected in individuals meeting clinical criteria for classic Ehlers-Danlos syndrome (Segev F et al. Invest Ophthalmol Vis Sci, 2006 Feb;47:565-73; Nielsen RH et al. FASEB J, 2014 Nov;28:4668-76; Ambry internal data). This variant is considered to be rare based on population cohorts in the Genome Aggregation Database (gnomAD). In addition to the clinical data presented in the literature, this alteration is expected to result in loss of function by premature protein truncation or nonsense-mediated mRNA decay. As such, this alteration is interpreted as a disease-causing mutation.

Labcorp Genetics (formerly Invitae), Labcorp
Classification: Pathogenic for Ehlers-Danlos syndrome, classic type, 1. Last evaluated: 2023-11-13. Review status: criteria provided, single submitter. Criteria: Invitae Variant Classification Sherloc (09022015). Collection method: clinical testing. Allele origin: germline.
Comment: This sequence change creates a premature translational stop signal (p.Glu1571Argfs*53) in the COL5A1 gene. It is expected to result in an absent or disrupted protein product. Loss-of-function variants in COL5A1 are known to be pathogenic (PMID: 23587214). This variant is not present in population databases (gnomAD no frequency). This premature translational stop signal has been observed in individual(s) with Ehlers-Danlos syndrome (PMID: 16431952). It has also been observed to segregate with disease in related individuals. This variant is also known as 4692-4693 ins C. ClinVar contains an entry for this variant (Variation ID: 430502). For these reasons, this variant has been classified as Pathogenic.

Genome Diagnostics Laboratory, The Hospital for Sick Children
Classification: Pathogenic for Ehlers-Danlos syndrome. Last evaluated: 2021-03-19. Review status: criteria provided, single submitter. Criteria: ACMG Guidelines, 2015. Collection method: clinical testing. Allele origin: germline.

GeneDx
Classification: Pathogenic. Last evaluated: 2017-05-31. Review status: criteria provided, single submitter. Criteria: GeneDx Variant Classification (06012015). Collection method: clinical testing. Allele origin: germline. Affected: yes.
Comment: The c.4697dupC pathogenic variant in the COL5A1 gene has been reported in association with cEDS; however, detailed clinical information and segregation data were not provided (Segev et al., 2006). This variant has not been observed in large population cohorts (Lek et al., 2016; 1000 Genomes Consortium et al., 2015; Exome Variant Server). The c.4697dupC variant causes a shift in reading frame starting at codon glutamic acid 1571, changing it to an arginine, and creating a premature stop codon at position 53 of the new reading frame, denoted p.Glu1571ArgfsX53. This pathogenic variant is expected to result in either an abnormal, truncated protein product or loss of protein from this allele through nonsense-mediated mRNA decay. Other frameshift and nonsense variants in the COL5A1 gene have been reported in Human Gene Mutation Database in association with EDS (Stenson et al., 2014), indicating that loss of function is a mechanism of disease for this gene.

Literature cited by the submitters: PubMed 16431952 (cited by 3 submitters); PubMed 25122555 (cited by Ambry Genetics); PubMed 23587214 (cited by Labcorp Genetics (formerly Invitae), Labcorp).